The following is an entry in ClinVar:

NM_005529.7(HSPG2):c.9640G>A (p.Val3214Ile)

Gene: HSPG2 (heparan sulfate proteoglycan 2; minus strand). Cytogenetic location: 1p36.12.
Variant type: single nucleotide variant.
Coding change: c.9640G>A on transcript NM_005529.7 (MANE Select); coding-DNA position 9640, G replaced by A.
Protein change: p.Val3214Ile; replaces valine 3214 with isoleucine.
Molecular consequence: missense variant.
Genome position (GRCh38, 1-based): chr1:21,839,891, C>T on the plus strand (G>A on the coding strand, the complement: HSPG2 is on the minus strand). VCF-style: chr1-21839891-C-T. GRCh37 (hg19) VCF-style: chr1-22166384-C-T.
Other names: c.9643G>A, p.Val3215Ile (NM_001291860.2); short protein forms V3215I, V3214I.
Identifiers: ClinVar variation 1510276 (VCV001510276.6), dbSNP rs2152703871, ClinGen allele CA338913685.

ClinVar aggregate classification (germline): Uncertain significance (1 of 4 stars; one submission).

Submission:

Labcorp Genetics (formerly Invitae), Labcorp
Classification: Uncertain significance. Last evaluated: 2021-08-25. Review status: criteria provided, single submitter. Criteria: Invitae Variant Classification Sherloc (09022015). Collection method: clinical testing. Allele origin: germline.
Comment: This variant is not present in population databases (ExAC no frequency). This sequence change replaces valine with isoleucine at codon 3214 of the HSPG2 protein (p.Val3214Ile). The valine residue is moderately conserved and there is a small physicochemical difference between valine and isoleucine. In summary, the available evidence is currently insufficient to determine the role of this variant in disease. Therefore, it has been classified as a Variant of Uncertain Significance. Algorithms developed to predict the effect of missense changes on protein structure and function (SIFT, PolyPhen-2, Align-GVGD) all suggest that this variant is likely to be tolerated. This variant has not been reported in the literature in individuals affected with HSPG2-related conditions.